The following is an entry in ClinVar:

ClinVar aggregate classification (germline): Uncertain significance. Review status: criteria provided, multiple submitters, no conflicts (2 of 4 stars). 3 submissions from 3 submitters: Uncertain significance (2). 1 of the submissions does not count toward it. Last evaluated 2022-04-12.

Conditions:
Autosomal recessive limb-girdle muscular dystrophy type 2D (LGMDR3). Also called: DUCHENNE-LIKE AUTOSOMAL RECESSIVE MUSCULAR DYSTROPHY, TYPE 2; MUSCULAR DYSTROPHY, LIMB-GIRDLE, AUTOSOMAL RECESSIVE 3; ADHALINOPATHY, PRIMARY. Identifiers: Orphanet 62, MedGen C2936332, MONDO:0011968, OMIM 608099. Disease mechanism: Affects gamma-sarcoglycan and also disrupts the integrity of the entire sarcoglycan complex..
Proximal muscle weakness. Identifiers: MedGen C0221629, HP:0003701.

Allele frequency attached by ClinVar (database versions not stated): gnomAD exomes 0.00002; TOPMed 0.00002; gnomAD 0.00003 and 0.00004; ExAC 0.00011; 1000 Genomes Project 30x 0.00016; 1000 Genomes Project 0.00020.
gnomAD v4.1: 66 of 1,587,236 alleles (0.0042%); highest among the groups gnomAD compares: Non-Finnish European, 0.0051%; no homozygotes.

Submissions (3):

Labcorp Genetics (formerly Invitae), Labcorp
Classification: Uncertain significance for Autosomal recessive limb-girdle muscular dystrophy type 2D. Last evaluated: 2022-04-12. Review status: criteria provided, single submitter. Criteria: Invitae Variant Classification Sherloc (09022015). Collection method: clinical testing. Allele origin: germline.
Comment: This sequence change replaces arginine, which is basic and polar, with histidine, which is basic and polar, at codon 156 of the SGCA protein (p.Arg156His). The frequency data for this variant in the population databases is considered unreliable, as metrics indicate poor data quality at this position in the gnomAD database. This variant has not been reported in the literature in individuals affected with SGCA-related conditions. Advanced modeling of protein sequence and biophysical properties (such as structural, functional, and spatial information, amino acid conservation, physicochemical variation, residue mobility, and thermodynamic stability) performed at Invitae indicates that this missense variant is not expected to disrupt SGCA protein function. In summary, the available evidence is currently insufficient to determine the role of this variant in disease. Therefore, it has been classified as a Variant of Uncertain Significance.

Revvity Omics, Revvity
Classification: Uncertain significance for Autosomal recessive limb-girdle muscular dystrophy type 2D. Last evaluated: 2021-10-27. Review status: criteria provided, single submitter. Criteria: ACMG Guidelines, 2015. Collection method: clinical testing. Allele origin: germline.

Institute of Human Genetics, University of Wuerzburg
Classification: Uncertain significance for Proximal muscle weakness. Review status: no assertion criteria provided. Collection method: clinical testing. Allele origin: unknown. Affected: yes. Observed: 1 variant allele. Not counted in ClinVar's aggregate classification.

NM_000023.4(SGCA):c.467G>A (p.Arg156His)

Gene: SGCA (sarcoglycan alpha; plus strand). Cytogenetic location: 17q21.33.
Variant type: single nucleotide variant.
Coding change: c.467G>A on transcript NM_000023.4 (MANE Select); coding-DNA position 467, G replaced by A.
Protein change: p.Arg156His; replaces arginine 156 with histidine.
Molecular consequence: missense variant. On other transcripts: non-coding transcript variant (1).
Genome position (GRCh38, 1-based): chr17:50,168,455, G>A. VCF-style: chr17-50168455-G-A. GRCh37 (hg19) VCF-style: chr17-48245816-G-A.
Other names: c.467G>A, p.Arg156His (NM_001135697.3); short protein forms R156H.
Identifiers: ClinVar variation 1679115 (VCV001679115.6), dbSNP rs558473298, ClinGen allele CA8643807.
Genomic context (GRCh38, chr17:50,168,455, plus strand): 5'-CCGAGTTCCTGGTGCGCAGCCACGATGCGGAGGAGGTGCTGCCCTCAACACCTGCCAGCC[G>A]CTTCCTCTCAGCCTTGGGGGGACTCTGGGAGCCCGGAGAGCTTCAGCTGCTCAACGTCAC-3'
Protein context (NP_000014.1, residues 146-166): EEVLPSTPAS[Arg156His]FLSALGGLWE